The following is an entry in ClinVar:

ClinVar aggregate classification (germline): Uncertain significance (1 of 4 stars; one submission).

Allele frequency attached by ClinVar (database versions not stated): ExAC 0.00001; gnomAD 0.00001; gnomAD exomes 0.00001 and 0.00002; TOPMed 0.00001.
gnomAD v4.1: 32 of 1,613,780 alleles (0.002%); highest among the groups gnomAD compares: Non-Finnish European, 0.0025%; no homozygotes.

Submission:

Labcorp Genetics (formerly Invitae), Labcorp
Classification: Uncertain significance. Last evaluated: 2024-03-04. Review status: criteria provided, single submitter. Criteria: Invitae Variant Classification Sherloc (09022015). Collection method: clinical testing. Allele origin: germline.
Comment: This sequence change falls in intron 56 of the HTT gene. It does not directly change the encoded amino acid sequence of the HTT protein. It affects a nucleotide within the consensus splice site. This variant is present in population databases (rs761067286, gnomAD 0.007%). This variant has not been reported in the literature in individuals affected with HTT-related conditions. ClinVar contains an entry for this variant (Variation ID: 1430057). Variants that disrupt the consensus splice site are a relatively common cause of aberrant splicing (PMID: 17576681, 9536098). Algorithms developed to predict the effect of sequence changes on RNA splicing suggest that this variant is not likely to affect RNA splicing. In summary, the available evidence is currently insufficient to determine the role of this variant in disease. Therefore, it has been classified as a Variant of Uncertain Significance.

Literature cited by the submitters: PubMed 17576681; PubMed 9536098.

NM_001388492.1(HTT):c.7765+6T>C

Gene: HTT (huntingtin; plus strand). Cytogenetic location: 4p16.3.
Variant type: single nucleotide variant.
Coding change: c.7765+6T>C on transcript NM_001388492.1 (MANE Select); 6 bases into the intron after coding-DNA position 7765, T replaced by C.
Molecular consequence: intron variant.
Genome position (GRCh38, 1-based): chr4:3,224,137, T>C. VCF-style: chr4-3224137-T-C. GRCh37 (hg19) VCF-style: chr4-3225864-T-C.
Other names: c.7765+6T>C (NM_002111.8).
Identifiers: ClinVar variation 1430057 (VCV001430057.6), dbSNP rs761067286, ClinGen allele CA2825447.